The following is an entry in ClinVar:

NM_002519.3(NPAT):c.2791G>A (p.Ala931Thr)

Gene: NPAT (nuclear protein, coactivator of histone transcription; minus strand). Cytogenetic location: 11q22.3.
Variant type: single nucleotide variant.
Coding change: c.2791G>A on transcript NM_002519.3 (MANE Select); coding-DNA position 2791, G replaced by A.
Protein change: p.Ala931Thr; replaces alanine 931 with threonine.
Molecular consequence: missense variant.
Genome position (GRCh38, 1-based): chr11:108,170,038, C>T on the plus strand (G>A on the coding strand, the complement: NPAT is on the minus strand). VCF-style: chr11-108170038-C-T. GRCh37 (hg19) VCF-style: chr11-108040765-C-T.
Other names: c.2791G>A, p.Ala931Thr (NM_001321307.1); short protein forms A931T.
Identifiers: ClinVar variation 1796058 (VCV001796058.2), dbSNP rs2496711610, ClinGen allele CA382512220.

ClinVar aggregate classification (germline): Uncertain significance (1 of 4 stars; one submission).

Allele frequency attached by ClinVar (database versions not stated): gnomAD exomes below 0.00001.
gnomAD v4.1: 1 of 1,597,960 alleles (0.000063%); highest among the groups gnomAD compares: South Asian, 0.0011%; no homozygotes.

Submission:

Ambry Genetics
Classification: Uncertain significance. Last evaluated: 2022-06-28. Review status: criteria provided, single submitter. Criteria: Ambry Variant Classification Scheme 2023. Collection method: clinical testing. Allele origin: germline.
Comment: The p.A931T variant (also known as c.2791G>A), located in coding exon 14 of the NPAT gene, results from a G to A substitution at nucleotide position 2791. The alanine at codon 931 is replaced by threonine, an amino acid with similar properties. This amino acid position is conserved. In addition, this alteration is predicted to be tolerated by in silico analysis. Since supporting evidence is limited at this time, the clinical significance of this alteration remains unclear.